The following is an entry in ClinVar:

NM_000287.4(PEX6):c.1511G>A (p.Ser504Asn)

Gene: PEX6 (peroxisomal biogenesis factor 6; minus strand). Cytogenetic location: 6p21.1.
Variant type: single nucleotide variant.
Coding change: c.1511G>A on transcript NM_000287.4 (MANE Select); coding-DNA position 1511, G replaced by A.
Protein change: p.Ser504Asn; replaces serine 504 with asparagine.
Molecular consequence: missense variant. On other transcripts: non-coding transcript variant (1).
Genome position (GRCh38, 1-based): chr6:42,968,467, C>T on the plus strand (G>A on the coding strand, the complement: PEX6 is on the minus strand). VCF-style: chr6-42968467-C-T. GRCh37 (hg19) VCF-style: chr6-42936205-C-T.
Other names: c.1247G>A, p.Ser416Asn (NM_001316313.2); short protein forms S504N, S416N.
Identifiers: ClinVar variation 291292 (VCV000291292.10), dbSNP rs770340288, ClinGen allele CA3811307.
Genomic context (GRCh38, chr6:42,968,467, plus strand): 5'-GCAGGCCGGCAACGGCGGGCCCGGGAGAAGATGGCCTGCAGTTTTGTCTCCACAGCCCCA[C>T]TACTTTCTGCACAGAGGCTGGAGCAGGGCACCTGGGGAGGGGATCCCAATGGGTCTGTGA-3'
Protein context (NP_000278.3, residues 494-514): VPCSSLCAES[Ser504Asn]GAVETKLQAI

ClinVar aggregate classification (germline): Uncertain significance. Review status: criteria provided, multiple submitters, no conflicts (2 of 4 stars). 2 submissions from 2 submitters: Uncertain significance (2). Last evaluated 2022-02-23.

Conditions:
Peroxisome biogenesis disorder. Identifiers: Orphanet 79189, MedGen C1832200, MONDO:0019234. Disease mechanism: loss of function.

Allele frequency attached by ClinVar (database versions not stated): gnomAD exomes 0.00001; ExAC 0.00004.

Submissions (2):

Labcorp Genetics (formerly Invitae), Labcorp
Classification: Uncertain significance for Peroxisome biogenesis disorder. Last evaluated: 2022-02-23. Review status: criteria provided, single submitter. Criteria: Invitae Variant Classification Sherloc (09022015). Collection method: clinical testing. Allele origin: germline.
Comment: Algorithms developed to predict the effect of missense changes on protein structure and function are either unavailable or do not agree on the potential impact of this missense change (SIFT: "Tolerated"; PolyPhen-2: "Probably Damaging"; Align-GVGD: "Class C0"). This sequence change replaces serine, which is neutral and polar, with asparagine, which is neutral and polar, at codon 504 of the PEX6 protein (p.Ser504Asn). This variant is present in population databases (rs770340288, gnomAD 0.01%). This variant has not been reported in the literature in individuals affected with PEX6-related conditions. ClinVar contains an entry for this variant (Variation ID: 291292). In summary, the available evidence is currently insufficient to determine the role of this variant in disease. Therefore, it has been classified as a Variant of Uncertain Significance.

Eurofins Ntd Llc (ga)
Classification: Uncertain significance. Last evaluated: 2016-09-22. Review status: criteria provided, single submitter. Criteria: EGL Classification Definitions 2015. Collection method: clinical testing. Allele origin: germline. Observed: 1 variant allele, 1 heterozygote.